The following is an entry in ClinVar:

NM_001394073.1(HS6ST2):c.1666G>A (p.Glu556Lys)

Gene: HS6ST2 (heparan sulfate 6-O-sulfotransferase 2; minus strand). Cytogenetic location: Xq26.2.
Variant type: single nucleotide variant.
Coding change: c.1666G>A on transcript NM_001394073.1 (MANE Select); coding-DNA position 1666, G replaced by A.
Protein change: p.Glu556Lys; replaces glutamic acid 556 with lysine.
Molecular consequence: missense variant.
Genome position (GRCh38, 1-based): chrX:132,628,495, C>T on the plus strand (G>A on the coding strand, the complement: HS6ST2 is on the minus strand). VCF-style: chrX-132628495-C-T. GRCh37 (hg19) VCF-style: chrX-131762523-C-T.
Other names: c.1666G>A, p.Glu556Lys (NM_001077188.2); c.1546G>A, p.Glu516Lys (NM_001394074.1, NM_147175.4); short protein forms E516K, E556K.
Identifiers: ClinVar variation 3032942 (VCV003032942.3), dbSNP rs2063494629, ClinGen allele CA414686680.

ClinVar aggregate classification (germline): Uncertain significance. Review status: criteria provided, single submitter (1 of 4 stars). 2 submissions from 2 submitters: Uncertain significance (1). 1 of the submissions does not count toward it. Last evaluated 2025-12-11.

Conditions:
HS6ST2-related disorder. Also called: HS6ST2-related condition.

Allele frequency attached by ClinVar (database versions not stated): TOPMed below 0.00001; gnomAD exomes below 0.00001.
gnomAD v4.1: 2 of 1,211,116 alleles (0.00017%); highest among the groups gnomAD compares: Non-Finnish European, 0.00022%; no homozygotes.

Submissions (2):

Ambry Genetics
Classification: Uncertain significance. Last evaluated: 2025-12-11. Review status: criteria provided, single submitter. Criteria: Ambry Variant Classification Scheme 2023. Collection method: clinical testing. Allele origin: germline.

PreventionGenetics, part of Exact Sciences
Classification: Uncertain significance for HS6ST2-related condition. Last evaluated: 2023-11-08. Review status: no assertion criteria provided. Collection method: clinical testing. Allele origin: germline. Not counted in ClinVar's aggregate classification.
Comment: The HS6ST2 c.1666G>A variant is predicted to result in the amino acid substitution p.Glu556Lys. To our knowledge, this variant has not been reported in the literature or in a large population database, indicating this variant is rare. Although we suspect that this variant may be pathogenic, at this time, the clinical significance of this variant is uncertain due to the absence of conclusive functional and genetic evidence.